The following is an entry in ClinVar:

ClinVar aggregate classification (germline): Uncertain significance (1 of 4 stars; one submission).

Submission:

Labcorp Genetics (formerly Invitae), Labcorp
Classification: Uncertain significance. Last evaluated: 2023-12-11. Review status: criteria provided, single submitter. Criteria: Invitae Variant Classification Sherloc (09022015). Collection method: clinical testing. Allele origin: germline.
Comment: This sequence change replaces alanine, which is neutral and non-polar, with threonine, which is neutral and polar, at codon 209 of the NEFH protein (p.Ala209Thr). This variant is not present in population databases (gnomAD no frequency). This variant has not been reported in the literature in individuals affected with NEFH-related conditions. Advanced modeling of protein sequence and biophysical properties (such as structural, functional, and spatial information, amino acid conservation, physicochemical variation, residue mobility, and thermodynamic stability) performed at Invitae indicates that this missense variant is not expected to disrupt NEFH protein function with a negative predictive value of 95%. In summary, the available evidence is currently insufficient to determine the role of this variant in disease. Therefore, it has been classified as a Variant of Uncertain Significance.

NM_021076.4(NEFH):c.625G>A (p.Ala209Thr)

Gene: NEFH (neurofilament heavy chain; plus strand). Cytogenetic location: 22q12.2.
Variant type: single nucleotide variant.
Coding change: c.625G>A on transcript NM_021076.4 (MANE Select); coding-DNA position 625, G replaced by A.
Protein change: p.Ala209Thr; replaces alanine 209 with threonine.
Molecular consequence: missense variant.
Genome position (GRCh38, 1-based): chr22:29,480,887, G>A. VCF-style: chr22-29480887-G-A. GRCh37 (hg19) VCF-style: chr22-29876876-G-A.
Other names: short protein forms A209T.
Identifiers: ClinVar variation 2702171 (VCV002702171.3), dbSNP rs2517969224, ClinGen allele CA411123441.
Genomic context (GRCh38, chr22:29,480,887, plus strand): 5'-GCCCGGCAGCGAGAGGAGGCCGAGGCGGCGGCCCGCGCGCTGGCGCGCTTCGCGCAGGAG[G>A]CCGAGGCGGCGCGCGTGGACCTGCAGAAGAAGGCGCAGGCGCTGCAGGAGGAGTGCGGCT-3'
Protein context (NP_066554.2, residues 199-219): ARALARFAQE[Ala209Thr]EAARVDLQKK